The following is an entry in ClinVar:

NM_000400.4(ERCC2):c.623G>A (p.Ser208Asn)

Gene: ERCC2 (ERCC excision repair 2, TFIIH core complex helicase subunit; minus strand). Cytogenetic location: 19q13.32.
Variant type: single nucleotide variant.
Coding change: c.623G>A on transcript NM_000400.4 (MANE Select); coding-DNA position 623, G replaced by A.
Protein change: p.Ser208Asn; replaces serine 208 with asparagine.
Molecular consequence: missense variant.
Genome position (GRCh38, 1-based): chr19:45,364,519, C>T on the plus strand (G>A on the coding strand, the complement: ERCC2 is on the minus strand). VCF-style: chr19-45364519-C-T. GRCh37 (hg19) VCF-style: chr19-45867777-C-T.
Other names: c.551G>A, p.Ser184Asn (NM_001130867.2); short protein forms S184N, S208N.
Identifiers: ClinVar variation 1752378 (VCV001752378.2), dbSNP rs2123292286, ClinGen allele CA406374468.

ClinVar aggregate classification (germline): Uncertain significance (1 of 4 stars; one submission).

Conditions:
Inborn genetic diseases. Identifiers: MedGen C0950123, MeSH D030342.

Submission:

Ambry Genetics
Classification: Uncertain significance for Inborn genetic diseases. Last evaluated: 2021-09-04. Review status: criteria provided, single submitter. Criteria: Ambry Variant Classification Scheme 2023. Collection method: clinical testing. Allele origin: germline.
Comment: The p.S208N variant (also known as c.623G>A), located in coding exon 8 of the ERCC2 gene, results from a G to A substitution at nucleotide position 623. The serine at codon 208 is replaced by asparagine, an amino acid with highly similar properties. This amino acid position is conserved. In addition, the in silico prediction for this alteration is inconclusive. Since supporting evidence is limited at this time, the clinical significance of this alteration remains unclear.